The following is an entry in ClinVar:

ClinVar aggregate classification (germline): Uncertain significance. Review status: criteria provided, multiple submitters, no conflicts (2 of 4 stars). 2 submissions from 2 submitters: Uncertain significance (2). Last evaluated 2026-03-26.

Conditions:
MYO5B-related disorder. Also called: MYO5B-related condition.
Inborn genetic diseases. Identifiers: MedGen C0950123, MeSH D030342.

gnomAD v4.1: 1 of 1,613,876 alleles (0.000062%); highest among the groups gnomAD compares: Non-Finnish European, 0.000085%; no homozygotes.

Submissions (2):

PreventionGenetics, part of Exact Sciences
Classification: Uncertain significance for MYO5B-related condition. Last evaluated: 2026-03-26. Review status: criteria provided, single submitter. Criteria: ACMG Guidelines, 2015. Collection method: clinical testing. Allele origin: germline.
Comment: The MYO5B c.2223T>A variant is predicted to result in the amino acid substitution p.Phe741Leu. To our knowledge, this variant has not been reported in the literature or in a large population database (gnomAD), indicating this variant is rare. At this time, the clinical significance of this variant is uncertain due to the absence of conclusive functional and genetic evidence.

Ambry Genetics
Classification: Uncertain significance for Inborn genetic diseases. Last evaluated: 2025-03-06. Review status: criteria provided, single submitter. Criteria: Ambry Variant Classification Scheme 2023. Collection method: clinical testing. Allele origin: germline.

NM_001080467.3(MYO5B):c.2223T>A (p.Phe741Leu)

Gene: MYO5B (myosin VB; minus strand). Cytogenetic location: 18q21.1.
Variant type: single nucleotide variant.
Coding change: c.2223T>A on transcript NM_001080467.3 (MANE Select); coding-DNA position 2223, T replaced by A.
Protein change: p.Phe741Leu; replaces phenylalanine 741 with leucine.
Molecular consequence: missense variant.
Genome position (GRCh38, 1-based): chr18:49,906,610, A>T on the plus strand (T>A on the coding strand, the complement: MYO5B is on the minus strand). VCF-style: chr18-49906610-A-T. GRCh37 (hg19) VCF-style: chr18-47432980-A-T.
Other names: short protein forms F741L.
Identifiers: ClinVar variation 3876943 (VCV003876943.2).